The following is an entry in ClinVar:

NM_058216.3(RAD51C):c.870T>A (p.Ile290=)

Gene: RAD51C (RAD51 paralog C; plus strand). Cytogenetic location: 17q22.
Variant type: single nucleotide variant.
Coding change: c.870T>A on transcript NM_058216.3 (MANE Select); coding-DNA position 870, T replaced by A.
Protein change: p.Ile290=; no amino-acid change (isoleucine 290 retained).
Molecular consequence: synonymous variant. On other transcripts: non-coding transcript variant (1).
Genome position (GRCh38, 1-based): chr17:58,720,778, T>A. VCF-style: chr17-58720778-T-A. GRCh37 (hg19) VCF-style: chr17-56798139-T-A.
Identifiers: ClinVar variation 184581 (VCV000184581.45), dbSNP rs376402418, ClinGen allele CA189363.

ClinVar aggregate classification (germline): Conflicting classifications of pathogenicity. Review status: criteria provided, conflicting classifications (1 of 4 stars). 17 submissions from 17 submitters: Uncertain significance (1); Benign (3); Likely benign (12). 1 of the submissions does not count toward it. Last evaluated 2026-03-13.

Conditions:
Familial ovarian cancer. Identifiers: MedGen C5679802, MONDO:0016248.
Breast and/or ovarian cancer. Identifiers: MedGen CN221562.
Hereditary cancer-predisposing syndrome. Also called: Tumor predisposition; Neoplastic Syndromes, Hereditary; Hereditary Cancer Syndrome; Hereditary neoplastic syndrome. Identifiers: Orphanet 140162, MedGen C0027672, MeSH D009386, MONDO:0015356.
Hereditary breast ovarian cancer syndrome. Also called: Hereditary breast and ovarian cancer; Hereditary breast and ovarian cancer syndrome (HBOC); Breast and ovarian cancer; Hereditary breast and/or ovarian cancer syndrome; BRCA1- and BRCA2-Associated Hereditary Breast and Ovarian Cancer; Hereditary breast and ovarian cancer syndrome. Identifiers: Orphanet 145, MedGen C0677776, MeSH D061325, MONDO:0003582. Disease mechanism: loss of function.
Breast-ovarian cancer, familial, susceptibility to, 3. Also called: RAD51C-Related Breast/Ovarian Cancer. Identifiers: Orphanet 145, MedGen C3150659, MONDO:0013253, OMIM 613399.
Fanconi anemia complementation group O. Also called: RAD51C-Related Fanconi Anemia. Identifiers: Orphanet 84, MedGen C3150653, MONDO:0013248, OMIM 613390.
Malignant tumor of breast. Also called: Malignant breast neoplasm; Cancer breast. Identifiers: MedGen C0006142, MONDO:0007254. Disease mechanism: loss of function.

Allele frequency attached by ClinVar (database versions not stated): ESP Exome Variant Server 0.00008; ExAC 0.00005; gnomAD 0.00005 and 0.00006; gnomAD exomes 0.00005 and 0.00007; TOPMed 0.00005.

Submissions (17):

German Consortium for Hereditary Breast and Ovarian Cancer, University Hospital Cologne
Classification: Likely benign for Hereditary breast ovarian cancer syndrome. Last evaluated: 2026-03-13. Review status: criteria provided, single submitter. Criteria: ACMG SVI. Collection method: curation. Allele origin: germline.
Comment: This classification follows the ACMG SVI adaptation classification scheme; We chose these criteria: PP3 (supporting pathogenic): SpliceAI acceptor loss score: 0.21, BS1 (strong benign): gnomAD v3.1.2 (non-cancer; female) GrpMAX = 0.00009199 = 0.009199% (>0.0000583 (0.00583%))

Labcorp Genetics (formerly Invitae), Labcorp
Classification: Likely benign for Fanconi anemia complementation group O. Last evaluated: 2026-01-13. Review status: criteria provided, single submitter. Criteria: Invitae Variant Classification Sherloc (09022015). Collection method: clinical testing. Allele origin: germline.

CeGaT Center for Human Genetics Tuebingen
Classification: Likely benign. Last evaluated: 2025-06-01. Review status: criteria provided, single submitter. Criteria: CeGaT Center For Human Genetics Tuebingen Variant Classification Criteria Version 2. Collection method: clinical testing. Allele origin: germline. Affected: yes. Observed: 1 variant allele.
Comment: RAD51C: BP4

Center for Genomic Medicine, Rigshospitalet, Copenhagen University Hospital
Classification: Likely benign. Last evaluated: 2025-03-04. Review status: criteria provided, single submitter. Criteria: ACMG Guidelines, 2015. Collection method: clinical testing. Allele origin: germline.

Myriad Genetics, Inc.
Classification: Benign for Breast-ovarian cancer, familial, susceptibility to, 3. Last evaluated: 2025-02-19. Review status: criteria provided, single submitter. Criteria: Myriad Autosomal Dominant, Autosomal Recessive and X-Linked Classification Criteria (2023). Collection method: clinical testing. Allele origin: unknown.
Comment: This variant is considered benign. This variant is a silent/synonymous amino acid change and it is not expected to impact splicing.

Quest Diagnostics Nichols Institute San Juan Capistrano
Classification: Likely benign. Last evaluated: 2024-12-21. Review status: criteria provided, single submitter. Criteria: Quest Diagnostics criteria. Collection method: clinical testing. Allele origin: unknown.

Blueprint Genetics
Classification: Likely benign. Last evaluated: 2024-09-20. Review status: criteria provided, single submitter. Criteria: ACMG Guidelines, 2015. Collection method: clinical testing. Allele origin: germline.

Molecular Pathology, Peter Maccallum Cancer Centre
Classification: Uncertain significance for Familial ovarian cancer. Last evaluated: 2024-09-19. Review status: criteria provided, single submitter. Criteria: ACMG Guidelines, 2015. Collection method: clinical testing. Allele origin: germline. Inheritance: Autosomal dominant inheritance.

Women's Health and Genetics/Laboratory Corporation of America, LabCorp
Classification: Likely benign. Last evaluated: 2024-02-24. Review status: criteria provided, single submitter. Criteria: LabCorp Variant Classification Summary - May 2015. Collection method: clinical testing. Allele origin: germline.

Mendelics
Classification: Benign for Hereditary breast ovarian cancer syndrome. Last evaluated: 2023-08-22. Review status: criteria provided, single submitter. Criteria: Mendelics Assertion Criteria 2019. Collection method: clinical testing. Allele origin: germline.

CHEO Genetics Diagnostic Laboratory, Children's Hospital of Eastern Ontario
Classification: Likely benign for Breast and/or ovarian cancer. Last evaluated: 2021-05-11. Review status: criteria provided, single submitter. Criteria: ACMG Guidelines, 2015. Collection method: clinical testing. Allele origin: germline.

Sema4
Classification: Likely benign for Hereditary cancer-predisposing syndrome. Last evaluated: 2021-02-05. Review status: criteria provided, single submitter. Criteria: Sema4 Curation Guidelines. Collection method: curation. Allele origin: germline.

Genetic Services Laboratory, University of Chicago
Classification: Likely benign. Last evaluated: 2019-01-03. Review status: criteria provided, single submitter. Criteria: ACMG Guidelines, 2015. Collection method: clinical testing. Allele origin: germline. Affected: no.

Color Diagnostics, LLC DBA Color Health
Classification: Likely benign for Hereditary cancer-predisposing syndrome. Last evaluated: 2015-08-17. Review status: criteria provided, single submitter. Criteria: ACMG Guidelines, 2015. Collection method: clinical testing. Allele origin: germline.

GeneDx
Classification: Benign. Last evaluated: 2015-03-03. Review status: criteria provided, single submitter. Criteria: GeneDx Variant Classification Process June 2021. Collection method: clinical testing. Allele origin: germline. Affected: yes.

Ambry Genetics
Classification: Likely benign for Hereditary cancer-predisposing syndrome. Last evaluated: 2014-08-15. Review status: criteria provided, single submitter. Criteria: Ambry Variant Classification Scheme 2023. Collection method: clinical testing. Allele origin: germline.

Department of Pathology and Laboratory Medicine, Sinai Health System
Classification: Likely benign for Malignant tumor of breast. Review status: no assertion criteria provided. Collection method: clinical testing. Allele origin: unknown. Affected: yes. Observed: 1 variant allele. Study: The Canadian Open Genetics Repository (COGR). Not counted in ClinVar's aggregate classification.
Comment: The RAD51C p.Ile290= variant was not identified in the literature nor was it identified in the Cosmic, MutDB, and LOVD 3.0 databases. The variant was identified in dbSNP (ID: rs376402418) as with Likely benign allele; in the ClinVar database as likely benign by Ambry Genetics, Invitae, and Color Genomics Inc. The variant was further identified in the NHLBI GO Exome Sequencing Project in 1 of 8600 European American alleles. The variant was identified in control databases in 18 of 276984 chromosomes at a frequency of 0.00006 (Genome Aggregation Database Feb 27, 2017). It was observed in the following populations: European Non-Finnish in 17 of 126624 chromosomes (freq: 0.0001), European Finnish in 1 of 25674 chromosomes (freq: 0.00004), but not in the African, Other, Latino, Ashkenazi Jewish, East Asian, and South Asian populations. The p.Ile290= variant is not expected to have clinical significance because it does not result in a change of amino acid and is not located in a known consensus splice site. In addition, in silico or computational prediction software programs (SpliceSiteFinder, MaxEntScan, NNSPLICE, GeneSplicer, HumanSpliceFinder) do not predict a difference in splicing. The variant occurs outside of the splicing consensus sequence and in silico or computational prediction software programs (SpliceSiteFinder, MaxEntScan, NNSPLICE, GeneSplicer, HumanSpliceFinder) do not predict a difference in splicing. In summary, based on the above information the clinical significance of this variant cannot be determined with certainty at this time although we would lean towards a more benign role for this variant. This variant is classified as likely benign.

Literature cited by the submitters: PubMed 26740214 (cited by 3 submitters); PubMed 35264596 (cited by Quest Diagnostics Nichols Institute San Juan Capistrano).